The following is an entry in ClinVar:

NM_001447.3(FAT2):c.3280C>T (p.Pro1094Ser)

Gene: FAT2 (FAT atypical cadherin 2; minus strand). Cytogenetic location: 5q33.1.
Variant type: single nucleotide variant.
Coding change: c.3280C>T on transcript NM_001447.3 (MANE Select); coding-DNA position 3280, C replaced by T.
Protein change: p.Pro1094Ser; replaces proline 1094 with serine.
Molecular consequence: missense variant.
Genome position (GRCh38, 1-based): chr5:151,563,619, G>A on the plus strand (C>T on the coding strand, the complement: FAT2 is on the minus strand). VCF-style: chr5-151563619-G-A. GRCh37 (hg19) VCF-style: chr5-150943180-G-A.
Other names: short protein forms P1094S.
Identifiers: ClinVar variation 1914807 (VCV001914807.6), dbSNP rs536845780, ClinGen allele CA3521868.
Genomic context (GRCh38, chr5:151,563,619, plus strand): 5'-AACCCCTGTCCACTGCTAATACCGTCAACCAGTAGTAAGATGCAAATTCTCGGTCCAGGG[G>A]TGCCAGAGTCTGAATCATTCCTAGGGACAGTAAGTCAGCAAACCCAAAATACTTTAGAGC-3'
Protein context (NP_001438.1, residues 1084-1104): QDTGMIQTLA[Pro1094Ser]LDREFASYYW

ClinVar aggregate classification (germline): Uncertain significance. Review status: criteria provided, multiple submitters, no conflicts (2 of 4 stars). 2 submissions from 2 submitters: Uncertain significance (2). Last evaluated 2022-04-18.

Allele frequency attached by ClinVar (database versions not stated): gnomAD exomes 0.00001; ExAC 0.00002; gnomAD 0.00003; 1000 Genomes Project 0.00020; 1000 Genomes Project 30x 0.00031.
gnomAD v4.1: 23 of 1,614,030 alleles (0.0014%); highest among the groups gnomAD compares: South Asian, 0.018%; no homozygotes.

Submissions (2):

Labcorp Genetics (formerly Invitae), Labcorp
Classification: Uncertain significance. Last evaluated: 2022-04-18. Review status: criteria provided, single submitter. Criteria: Invitae Variant Classification Sherloc (09022015). Collection method: clinical testing. Allele origin: germline.
Comment: This sequence change replaces proline, which is neutral and non-polar, with serine, which is neutral and polar, at codon 1094 of the FAT2 protein (p.Pro1094Ser). This variant is present in population databases (rs536845780, gnomAD 0.01%). This variant has not been reported in the literature in individuals affected with FAT2-related conditions. Algorithms developed to predict the effect of missense changes on protein structure and function output the following: SIFT: "Deleterious"; PolyPhen-2: "Benign"; Align-GVGD: "Class C65". The serine amino acid residue is found in multiple mammalian species, which suggests that this missense change does not adversely affect protein function. In summary, the available evidence is currently insufficient to determine the role of this variant in disease. Therefore, it has been classified as a Variant of Uncertain Significance.

Ambry Genetics
Classification: Uncertain significance. Last evaluated: 2021-11-05. Review status: criteria provided, single submitter. Criteria: Ambry Variant Classification Scheme 2023. Collection method: clinical testing. Allele origin: germline.